The following is an entry in ClinVar:

NM_000052.7(ATP7A):c.3367G>T (p.Val1123Phe)

Gene: ATP7A (ATPase copper transporting alpha; plus strand). Cytogenetic location: Xq21.1.
Variant type: single nucleotide variant.
Coding change: c.3367G>T on transcript NM_000052.7 (MANE Select); coding-DNA position 3367, G replaced by T.
Protein change: p.Val1123Phe; replaces valine 1123 with phenylalanine.
Molecular consequence: missense variant. On other transcripts: non-coding transcript variant (1).
Genome position (GRCh38, 1-based): chrX:78,033,677, G>T. VCF-style: chrX-78033677-G-T. GRCh37 (hg19) VCF-style: chrX-77289175-G-T.
Other names: c.3133G>T, p.Val1045Phe (NM_001282224.2); short protein forms V1045F, V1123F.
Identifiers: ClinVar variation 1038323 (VCV001038323.9), dbSNP rs2077995918, ClinGen allele CA413604001.

ClinVar aggregate classification (germline): Uncertain significance (1 of 4 stars; one submission).

Conditions:
Menkes kinky-hair syndrome (MNK). Also called: Copper transport disease; Classic Menkes Disease; Menkes Disease. Identifiers: Orphanet 565, MedGen C0022716, MONDO:0010651, OMIM 309400.
Cutis laxa, X-linked (OHS). Also called: EDS IX; Occipital horn syndrome. Identifiers: Orphanet 198, MedGen C0268353, MONDO:0010572, OMIM 304150.
X-linked distal spinal muscular atrophy type 3. Also called: SPINAL MUSCULAR ATROPHY, DISTAL, X-LINKED RECESSIVE; ATP7A-Related Distal Motor Neuropathy; NEURONOPATHY, DISTAL HEREDITARY MOTOR, X-LINKED; NEUROPATHY, DISTAL HEREDITARY MOTOR, X-LINKED. Identifiers: Orphanet 139557, MedGen C1845359, MONDO:0010338, OMIM 300489.

Submission:

Labcorp Genetics (formerly Invitae), Labcorp
Classification: Uncertain significance for X-linked distal spinal muscular atrophy type 3; Cutis laxa, X-linked; Menkes kinky-hair syndrome. Last evaluated: 2018-06-27. Review status: criteria provided, single submitter. Criteria: Invitae Variant Classification Sherloc (09022015). Collection method: clinical testing. Allele origin: germline.
Comment: In summary, the available evidence is currently insufficient to determine the role of this variant in disease. Therefore, it has been classified as a Variant of Uncertain Significance. Algorithms developed to predict the effect of missense changes on protein structure and function are either unavailable or do not agree on the potential impact of this missense change (SIFT: "Deleterious"; PolyPhen-2: "Probably Damaging"; Align-GVGD: "Class C0"). This variant has not been reported in the literature in individuals with ATP7A-related disease. This variant is not present in population databases (ExAC no frequency). This sequence change replaces valine with phenylalanine at codon 1123 of the ATP7A protein (p.Val1123Phe). The valine residue is highly conserved and there is a small physicochemical difference between valine and phenylalanine.